The following is an entry in ClinVar:

NM_007294.4(BRCA1):c.2188_2195delinsAAAAAGG (p.Glu730fs)

Gene: BRCA1 (BRCA1 DNA repair associated; minus strand). Cytogenetic location: 17q21.31.
Variant type: Indel.
Coding change: c.2188_2195delinsAAAAAGG on transcript NM_007294.4 (MANE Select); coding-DNA positions 2188 to 2195, GAAAAAGA replaced by AAAAAGG.
Protein change: p.Glu730fs; shifts the reading frame from glutamic acid 730.
Molecular consequence: frameshift variant. On other transcripts: intron variant (137).
Genome position (GRCh38, 1-based): chr17:43,093,336-43,093,343, TCTTTTTC replaced by CCTTTTT on the plus strand (GAAAAAGA replaced by AAAAAGG on the coding strand, the reverse complement: BRCA1 is on the minus strand). VCF-style: chr17-43093336-TCTTTTTC-CCTTTTT. GRCh37 (hg19) VCF-style: chr17-41245353-TCTTTTTC-CCTTTTT.
Other names: 2307_2314del8insAAAAGG; c.1921_1928delinsAAAAAGG, p.Glu641fs (NM_001407936.1, NM_001407930.1, NM_001407931.1 and 2 more transcripts); c.2065_2072delinsAAAAAGG, p.Glu689fs (NM_001407937.1, NM_001407938.1, NM_001407939.1 and 19 more transcripts); c.2062_2069delinsAAAAAGG, p.Glu688fs (NM_001407940.1, NM_001407941.1, NM_001407649.1 and 11 more transcripts); c.2047_2054delinsAAAAAGG, p.Glu683fs (NM_001407942.1, NM_001407944.1, NM_001407945.1 and 29 more transcripts); c.2044_2051delinsAAAAAGG, p.Glu682fs (NM_001407943.1, NM_001407964.1, NM_001407740.1 and 20 more transcripts); c.1855_1862delinsAAAAAGG, p.Glu619fs (NM_001407946.1, NM_001407947.1, NM_001407948.1 and 6 more transcripts); c.1852_1859delinsAAAAAGG, p.Glu618fs (NM_001407954.1, NM_001407955.1, NM_001407956.1 and 1 more transcripts); and 42 more; short protein forms E683fs, E730fs, E562fs, E603fs, E659fs, E729fs, E619fs, E662fs.
Identifiers: ClinVar variation 266231 (VCV000266231.7), dbSNP rs886040008, ClinGen allele CA10589879.

ClinVar aggregate classification (germline): Pathogenic. Review status: reviewed by expert panel (3 of 4 stars). 2 submissions from 2 submitters: Pathogenic (1). 1 of the submissions does not count toward it. Last evaluated 2016-10-18.

Conditions:
Breast-ovarian cancer, familial, susceptibility to, 1 (BROVCA1). Also called: BRCA1 Hereditary Breast and Ovarian Cancer; OVARIAN CANCER, SUSCEPTIBILITY TO. Identifiers: Orphanet 145, MedGen C2676676, MONDO:0011450, OMIM 604370. Disease mechanism: loss of function.

Submissions (2):

Evidence-based Network for the Interpretation of Germline Mutant Alleles (ENIGMA)
Classification: Pathogenic for Breast-ovarian cancer, familial, susceptibility to, 1. Last evaluated: 2016-10-18. Review status: reviewed by expert panel. Criteria: ENIGMA BRCA1/2 Classification Criteria (2015). Collection method: curation. Allele origin: germline.
Comment: Variant allele predicted to encode a truncated non-functional protein.

Consortium of Investigators of Modifiers of BRCA1/2 (CIMBA), c/o University of Cambridge
Classification: Pathogenic for Breast-ovarian cancer, familial, susceptibility to, 1. Last evaluated: 2015-10-02. Review status: criteria provided, single submitter. Criteria: CIMBA Mutation Classification guidelines May 2016. Collection method: clinical testing. Allele origin: germline. Not counted in ClinVar's aggregate classification.